The following is an entry in ClinVar:

NM_021224.6(ZNF462):c.1210A>G (p.Met404Val)

Gene: ZNF462 (zinc finger protein 462; plus strand). Cytogenetic location: 9q31.2.
Variant type: single nucleotide variant.
Coding change: c.1210A>G on transcript NM_021224.6 (MANE Select); coding-DNA position 1210, A replaced by G.
Protein change: p.Met404Val; replaces methionine 404 with valine.
Molecular consequence: missense variant.
Genome position (GRCh38, 1-based): chr9:106,925,122, A>G. VCF-style: chr9-106925122-A-G. GRCh37 (hg19) VCF-style: chr9-109687403-A-G.
Other names: c.1210A>G, p.Met404Val (NM_001347997.2); c.1210A>G (NM_021224.5); short protein forms M404V.
Identifiers: ClinVar variation 1175501 (VCV001175501.6), dbSNP rs17723637, ClinGen allele CA5171295.
Genomic context (GRCh38, chr9:106,925,122, plus strand): 5'-AATGACTCTAGTTCTGATGAAGAGTTAAATGAAATAGACAGTGAGAATGGTTTAAGTGCT[A>G]TGGATCACCAGACATCAGGCCTGTCTGCAGAGCAGCTGATGGGCTCAGATGGCAACAAAT-3'
Protein context (NP_067047.4, residues 394-414): EIDSENGLSA[Met404Val]DHQTSGLSAE

ClinVar aggregate classification (germline): Benign. Review status: criteria provided, multiple submitters, no conflicts (2 of 4 stars). 4 submissions from 4 submitters: Benign (3). 1 of the submissions does not count toward it. Last evaluated 2021-12-05.

Conditions:
ZNF462-related disorder. Also called: ZNF462-related condition; ZNF462 related disease.
Weiss-Kruszka syndrome. Also called: Metopic ridging-ptosis-facial dysmorphism syndrome. Identifiers: Orphanet 502430, MedGen C5568107, MONDO:0032836, OMIM 618619.

Allele frequency attached by ClinVar (database versions not stated): 1000 Genomes Project 30x 0.11790; 1000 Genomes Project 0.12141; TOPMed 0.12296; ESP Exome Variant Server 0.12394; gnomAD 0.12532 and 0.12751; gnomAD exomes 0.13568 and 0.14543; ExAC 0.13858.
gnomAD v4.1: 231,779 of 1,614,088 alleles (14%); highest among the groups gnomAD compares: South Asian, 18%; 17,112 homozygotes.

Submissions (4):

Genome-Nilou Lab
Classification: Benign for Weiss-Kruszka syndrome. Last evaluated: 2021-12-05. Review status: criteria provided, single submitter. Criteria: ACMG Guidelines, 2015. Collection method: clinical testing. Allele origin: germline. Affected: no.

GeneDx
Classification: Benign. Last evaluated: 2020-03-19. Review status: criteria provided, single submitter. Criteria: GeneDx Variant Classification Process June 2021. Collection method: clinical testing. Allele origin: germline. Affected: yes.

Breakthrough Genomics
Classification: Benign. Review status: criteria provided, single submitter. Criteria: ACMG Guidelines, 2015. Collection method: not provided. Allele origin: germline. Inheritance: Autosomal dominant inheritance. Affected: yes.

PreventionGenetics, part of Exact Sciences
Classification: Benign for ZNF462-related condition. Last evaluated: 2019-11-19. Review status: no assertion criteria provided. Collection method: clinical testing. Allele origin: germline. Not counted in ClinVar's aggregate classification.
Comment: This variant is classified as benign based on ACMG/AMP sequence variant interpretation guidelines (Richards et al. 2015 PMID: 25741868, with internal and published modifications).